The following is an entry in ClinVar:

NM_000297.4(PKD2):c.709+1G>C

Gene: PKD2 (polycystin 2, transient receptor potential cation channel; plus strand). Cytogenetic location: 4q22.1.
Variant type: single nucleotide variant.
Coding change: c.709+1G>C on transcript NM_000297.4 (MANE Select); the canonical splice donor site of the intron after coding-DNA position 709, G replaced by C.
Molecular consequence: splice donor variant.
Genome position (GRCh38, 1-based): chr4:88,019,572, G>C. VCF-style: chr4-88019572-G-C. GRCh37 (hg19) VCF-style: chr4-88940724-G-C.
Identifiers: ClinVar variation 3068402 (VCV003068402.1), dbSNP rs398123308, ClinGen allele CA357628632.

ClinVar aggregate classification (germline): Pathogenic (1 of 4 stars; one submission).

Conditions:
Polycystic kidney disease 2 (PKD2). Also called: POLYCYSTIC KIDNEY DISEASE, ADULT, TYPE II; POLYCYSTIC KIDNEY DISEASE 2 WITH OR WITHOUT POLYCYSTIC LIVER DISEASE; Polycystic Kidney Disease 2, Autosomal Dominant. Identifiers: MedGen C2751306, MONDO:0013131, OMIM 613095.

Submission:

MVZ Medizinische Genetik Mainz
Classification: Pathogenic for Polycystic kidney disease 2. Last evaluated: 2022-08-10. Review status: criteria provided, single submitter. Criteria: UK Practice Guidelines For Variant Classification V4 01 2020. Collection method: clinical testing. Allele origin: germline. Inheritance: Autosomal dominant inheritance. Affected: yes. Observed: 1 variant allele.
Comment: ACMG Criteria: PVS1, PS1_SUP, PM2_SUP, PP4